The following is an entry in ClinVar:

ClinVar aggregate classification (germline): Uncertain significance (1 of 4 stars; one submission).

Submission:

Labcorp Genetics (formerly Invitae), Labcorp
Classification: Uncertain significance. Last evaluated: 2022-04-04. Review status: criteria provided, single submitter. Criteria: Invitae Variant Classification Sherloc (09022015). Collection method: clinical testing. Allele origin: germline.
Comment: In summary, the available evidence is currently insufficient to determine the role of this variant in disease. Therefore, it has been classified as a Variant of Uncertain Significance. Algorithms developed to predict the effect of missense changes on protein structure and function (SIFT, PolyPhen-2, Align-GVGD) all suggest that this variant is likely to be tolerated. This variant has not been reported in the literature in individuals affected with RAB3GAP1-related conditions. This variant is not present in population databases (gnomAD no frequency). This sequence change replaces glutamine, which is neutral and polar, with glutamic acid, which is acidic and polar, at codon 555 of the RAB3GAP1 protein (p.Gln555Glu).

NM_012233.3(RAB3GAP1):c.1663C>G (p.Gln555Glu)

Gene: RAB3GAP1 (RAB3 GTPase activating protein catalytic subunit 1; plus strand). Cytogenetic location: 2q21.3.
Variant type: single nucleotide variant.
Coding change: c.1663C>G on transcript NM_012233.3 (MANE Select); coding-DNA position 1663, C replaced by G.
Protein change: p.Gln555Glu; replaces glutamine 555 with glutamic acid.
Molecular consequence: missense variant.
Genome position (GRCh38, 1-based): chr2:135,135,672, C>G. VCF-style: chr2-135135672-C-G. GRCh37 (hg19) VCF-style: chr2-135893242-C-G.
Other names: c.1663C>G, p.Gln555Glu (NM_001172435.2); short protein forms Q555E.
Identifiers: ClinVar variation 2111233 (VCV002111233.4), dbSNP rs2468225798, ClinGen allele CA348577240.